The following is an entry in ClinVar:

ClinVar aggregate classification (germline): Conflicting classifications of pathogenicity. Review status: criteria provided, conflicting classifications (1 of 4 stars). 4 submissions from 4 submitters: Uncertain significance (1); Likely benign (3). Last evaluated 2025-10-01.

Conditions:
Frasier syndrome. Identifiers: Orphanet 347, MedGen C0950122, MeSH D052159, MONDO:0007635, OMIM 136680.
Drash syndrome (DDS). Also called: WILMS TUMOR AND PSEUDO- OR TRUE HERMAPHRODITISM; NEPHROPATHY, WILMS TUMOR, AND GENITAL ANOMALIES. Identifiers: Orphanet 220, MedGen C0950121, MONDO:0008682, OMIM 194080.
Wilms tumor 1 (WT1). Also called: Wilms tumor, somatic. Identifiers: Orphanet 654, MedGen CN033288, MONDO:0008679, OMIM 194070.
11p partial monosomy syndrome (WAGR). Also called: WAGR syndrome; WAGR Complex; WAGR Spectrum Disorder; CHROMOSOME 11p13 DELETION SYNDROME. Identifiers: Orphanet 893, MedGen C0206115, MONDO:0008681, OMIM 194072.
WT1-related disorder. Also called: WT1-related disorders. Identifiers: MedGen CN377814.
Inborn genetic diseases. Identifiers: MedGen C0950123, MeSH D030342.

Allele frequency attached by ClinVar (database versions not stated): TOPMed below 0.00001; gnomAD 0.00001.

Submissions (4):

Labcorp Genetics (formerly Invitae), Labcorp
Classification: Likely benign for Wilms tumor 1; Drash syndrome; 11p partial monosomy syndrome; Frasier syndrome. Last evaluated: 2025-10-01. Review status: criteria provided, single submitter. Criteria: Invitae Variant Classification Sherloc (09022015). Collection method: clinical testing. Allele origin: germline.

Ambry Genetics
Classification: Likely benign for Inborn genetic diseases. Last evaluated: 2025-03-05. Review status: criteria provided, single submitter. Criteria: Ambry Variant Classification Scheme 2023. Collection method: clinical testing. Allele origin: germline.

All of Us Research Program, National Institutes of Health
Classification: Likely benign for Wilms tumor 1. Last evaluated: 2024-05-14. Review status: criteria provided, single submitter. Criteria: ACMG Guidelines, 2015. Collection method: clinical testing. Allele origin: germline. Inheritance: Autosomal dominant inheritance. Observed: 1 variant allele, 1 heterozygote.
Comment: This study involves interpretation of variants in research participants for the purpose of population health screening. Participant phenotype was not available at the time of variant classification. Additional details can be found in publication PMID: 35346344, PMCID: PMC8962531

PreventionGenetics, part of Exact Sciences
Classification: Uncertain significance for WT1-related condition. Last evaluated: 2022-08-31. Review status: criteria provided, single submitter. Criteria: ACMG Guidelines, 2015. Collection method: clinical testing. Allele origin: germline.
Comment: The WT1 c.246C>A variant is not predicted to result in an amino acid change (p.=). This variant is predicted to introduce a cryptic splice site in exon 1 based on splicing prediction programs (Alamut Visual Plus v.1.6.1). However, computer prediction programs are not equivalent to functional evidence. To our knowledge, this variant has not been reported in the literature. This variant is reported in 0.023% of alleles in individuals of African descent in gnomAD. At this time, the clinical significance of this variant is uncertain due to the absence of conclusive functional and genetic evidence.

NM_024426.6(WT1):c.261C>A (p.Ala87=)

Genes: WT1 (WT1 transcription factor; minus strand), LOC107982234 (WT1/WT1-AS bi-directional promoter region; plus strand). Cytogenetic location: 11p13.
Variant type: single nucleotide variant.
Coding change: c.261C>A on transcript NM_024426.6 (MANE Select); coding-DNA position 261, C replaced by A.
Protein change: p.Ala87=; no amino-acid change (alanine 87 retained).
Molecular consequence: synonymous variant. On other transcripts: non-coding transcript variant (2).
Genome position (GRCh38, 1-based): chr11:32,435,100, G>T on the plus strand (C>A on the coding strand, the complement: WT1 is on the minus strand). VCF-style: chr11-32435100-G-T. GRCh37 (hg19) VCF-style: chr11-32456646-G-T.
Other names: c.246C>A (NM_024426.4); c.261C>A, p.Ala87= (NM_000378.6, NM_001407044.1, NM_001407045.1 and 6 more transcripts); c.246C>A, p.Ala82= (NM_024425.2).
Identifiers: ClinVar variation 2177953 (VCV002177953.7), dbSNP rs1298313010, ClinGen allele CA473774009.